The following is an entry in ClinVar:

ClinVar aggregate classification (germline): Conflicting classifications of pathogenicity. Review status: criteria provided, conflicting classifications (1 of 4 stars). 2 submissions from 2 submitters: Uncertain significance (1); Benign (1). Last evaluated 2025-04-29.

Conditions:
Tuberous sclerosis 1 (TSC1). Identifiers: Orphanet 805, MedGen C1854465, MONDO:0008612, OMIM 191100.

Allele frequency attached by ClinVar (database versions not stated): gnomAD 0.00001.

Submissions (2):

Myriad Genetics, Inc.
Classification: Benign for Tuberous sclerosis 1. Last evaluated: 2025-04-29. Review status: criteria provided, single submitter. Criteria: Myriad Autosomal Dominant, Autosomal Recessive and X-Linked Classification Criteria (2023). Collection method: clinical testing. Allele origin: unknown.
Comment: This variant is considered benign. This variant is a silent/synonymous amino acid change and it is not expected to impact splicing.

Labcorp Genetics (formerly Invitae), Labcorp
Classification: Uncertain significance for Tuberous sclerosis 1. Last evaluated: 2023-04-04. Review status: criteria provided, single submitter. Criteria: Invitae Variant Classification Sherloc (09022015). Collection method: clinical testing. Allele origin: germline.
Comment: ClinVar contains an entry for this variant (Variation ID: 837001). Algorithms developed to predict the effect of sequence changes on RNA splicing suggest that this variant may disrupt the consensus splice site. In summary, the available evidence is currently insufficient to determine the role of this variant in disease. Therefore, it has been classified as a Variant of Uncertain Significance. This variant has not been reported in the literature in individuals affected with TSC1-related conditions. This sequence change affects codon 960 of the TSC1 mRNA. It is a 'silent' change, meaning that it does not change the encoded amino acid sequence of the TSC1 protein. This variant is not present in population databases (gnomAD no frequency).

NM_000368.5(TSC1):c.2880G>A (p.Leu960=)

Gene: TSC1 (TSC complex subunit 1; minus strand). Cytogenetic location: 9q34.13.
Variant type: single nucleotide variant.
Coding change: c.2880G>A on transcript NM_000368.5 (MANE Select); coding-DNA position 2880, G replaced by A.
Protein change: p.Leu960=; no amino-acid change (leucine 960 retained).
Molecular consequence: synonymous variant.
Genome position (GRCh38, 1-based): chr9:132,897,279, C>T on the plus strand (G>A on the coding strand, the complement: TSC1 is on the minus strand). VCF-style: chr9-132897279-C-T. GRCh37 (hg19) VCF-style: chr9-135772666-C-T.
Other names: c.2877G>A, p.Leu959= (NM_001162426.2); c.2727G>A, p.Leu909= (NM_001162427.2); c.2517G>A, p.Leu839= (NM_001362177.2).
Identifiers: ClinVar variation 837001 (VCV000837001.10), dbSNP rs1845126730, ClinGen allele CA467812669.
Genomic context (GRCh38, chr9:132,897,279, plus strand): 5'-TTCTTCAAGTTTTTTCAGGAGGCCATCTTTCTCCAACCTGCCATATAAATCTAAGATCTC[C>T]AATTCAAACACCTGGGTTATCCTTTTCTGAGCCTCATACCTGCTCTCTGCGGCCTGCAGC-3'
Protein context (NP_000359.1, residues 950-970): AQKRITQVFE[Leu960=]EILDLYGRLE